The following is an entry in ClinVar:

ClinVar aggregate classification (germline): Uncertain significance (1 of 4 stars; one submission).

Submission:

Labcorp Genetics (formerly Invitae), Labcorp
Classification: Uncertain significance. Last evaluated: 2022-11-04. Review status: criteria provided, single submitter. Criteria: Invitae Variant Classification Sherloc (09022015). Collection method: clinical testing. Allele origin: germline.
Comment: In summary, the available evidence is currently insufficient to determine the role of this variant in disease. Therefore, it has been classified as a Variant of Uncertain Significance. Algorithms developed to predict the effect of missense changes on protein structure and function (SIFT, PolyPhen-2, Align-GVGD) all suggest that this variant is likely to be disruptive. This variant has not been reported in the literature in individuals affected with TET2-related conditions. This variant is not present in population databases (gnomAD no frequency). This sequence change replaces glutamic acid, which is acidic and polar, with valine, which is neutral and non-polar, at codon 1931 of the TET2 protein (p.Glu1931Val).

NM_001127208.3(TET2):c.5792A>T (p.Glu1931Val)

Genes: TET2 (tet methylcytosine dioxygenase 2; plus strand), TET2-AS1 (TET2 antisense RNA 1; minus strand). Cytogenetic location: 4q24.
Variant type: single nucleotide variant.
Coding change: c.5792A>T on transcript NM_001127208.3 (MANE Select); coding-DNA position 5792, A replaced by T.
Protein change: p.Glu1931Val; replaces glutamic acid 1931 with valine.
Molecular consequence: missense variant.
Genome position (GRCh38, 1-based): chr4:105,276,302, A>T. VCF-style: chr4-105276302-A-T. GRCh37 (hg19) VCF-style: chr4-106197459-A-T.
Other names: short protein forms E1931V.
Identifiers: ClinVar variation 2812140 (VCV002812140.3), dbSNP rs2476754620, ClinGen allele CA357796561.
Genomic context (GRCh38, chr4:105,276,302, plus strand): 5'-AACATGGCTTGGCTCTTTGGGAAGCCAAAATGGCTGAAAAAGCCCGTGAGAAAGAGGAAG[A>T]GTGTGAAAAGTATGGCCCAGACTATGTGCCTCAGAAATCCCATGGCAAAAAAGTGAAACG-3'
Protein context (NP_001120680.1, residues 1921-1941): MAEKAREKEE[Glu1931Val]CEKYGPDYVP